The following is an entry in ClinVar:

ClinVar aggregate classification (germline): Likely benign. Review status: criteria provided, multiple submitters, no conflicts (2 of 4 stars). 2 submissions from 2 submitters: Likely benign (2). Last evaluated 2025-07-09.

Conditions:
Charcot-Marie-Tooth disease type 4. Also called: Charcot-Marie-Tooth disease, type IV; Charcot-Marie-Tooth, Type 4. Identifiers: Orphanet 64749, MedGen C4082197, MONDO:0018995.

Allele frequency attached by ClinVar (database versions not stated): gnomAD 0.00001; TOPMed 0.00002; ExAC 0.00003; gnomAD exomes 0.00003; 1000 Genomes Project 0.00020; 1000 Genomes Project 30x 0.00031.
gnomAD v4.1: 58 of 1,612,402 alleles (0.0036%); highest among the groups gnomAD compares: Middle Eastern, 0.033%; no homozygotes.

Submissions (2):

Labcorp Genetics (formerly Invitae), Labcorp
Classification: Likely benign for Charcot-Marie-Tooth disease type 4. Last evaluated: 2025-07-09. Review status: criteria provided, single submitter. Criteria: Invitae Variant Classification Sherloc (09022015). Collection method: clinical testing. Allele origin: germline.

GeneDx
Classification: Likely benign. Last evaluated: 2016-08-08. Review status: criteria provided, single submitter. Criteria: GeneDx Variant Classification (06012015). Collection method: clinical testing. Allele origin: germline. Affected: yes.
Comment: This variant is considered likely benign or benign based on one or more of the following criteria: it is a conservative change, it occurs at a poorly conserved position in the protein, it is predicted to be benign by multiple in silico algorithms, and/or has population frequency not consistent with disease.

NM_030962.4(SBF2):c.620-9T>C

Gene: SBF2 (SET binding factor 2; minus strand). Cytogenetic location: 11p15.4.
Variant type: single nucleotide variant.
Coding change: c.620-9T>C on transcript NM_030962.4 (MANE Select); 9 bases into the intron before coding-DNA position 620, T replaced by C.
Molecular consequence: intron variant.
Genome position (GRCh38, 1-based): chr11:10,002,698, A>G on the plus strand (T>C on the coding strand, the complement: SBF2 is on the minus strand). VCF-style: chr11-10002698-A-G. GRCh37 (hg19) VCF-style: chr11-10024245-A-G.
Other names: c.620-9T>C (NM_001386342.1, NM_001386339.1).
Identifiers: ClinVar variation 388371 (VCV000388371.12), dbSNP rs199676895, ClinGen allele CA5882050.